The following is an entry in ClinVar:

NM_001868.4(CPA1):c.172C>A (p.His58Asn)

Gene: CPA1 (carboxypeptidase A1; plus strand). Cytogenetic location: 7q32.2.
Variant type: single nucleotide variant.
Coding change: c.172C>A on transcript NM_001868.4 (MANE Select); coding-DNA position 172, C replaced by A.
Protein change: p.His58Asn; replaces histidine 58 with asparagine.
Molecular consequence: missense variant.
Genome position (GRCh38, 1-based): chr7:130,381,654, C>A. VCF-style: chr7-130381654-C-A. GRCh37 (hg19) VCF-style: chr7-130021495-C-A.
Other names: short protein forms H58N.
Identifiers: ClinVar variation 4869352 (VCV004869352.1).
Genomic context (GRCh38, chr7:130,381,654, plus strand): 5'-GCCCGCTGTGACCGTGCCGGCTCTTGTCCTCCCCAGCTGGACTTCTGGCGGGGGCCTGCC[C>A]ACCCTGGCTCCCCCATCGACGTCCGAGTGCCCTTCCCCAGCATCCAGGCGGTCAAGATCT-3'
Protein context (NP_001859.1, residues 48-68): LQLDFWRGPA[His58Asn]PGSPIDVRVP

ClinVar aggregate classification (germline): Uncertain significance (1 of 4 stars; one submission).

Conditions:
Hereditary pancreatitis (PCTT). Also called: Hereditary chronic pancreatitis; PRSS1-Related Hereditary Pancreatitis. Identifiers: Orphanet 676, MedGen C0238339, MONDO:0008185, OMIM 167800.

gnomAD v4.1: 1 of 1,613,892 alleles (0.000062%); highest among the groups gnomAD compares: East Asian, 0.0022%; no homozygotes.

Submission:

Ambry Genetics
Classification: Uncertain significance for Hereditary pancreatitis. Last evaluated: 2026-03-15. Review status: criteria provided, single submitter. Criteria: Ambry Variant Classification Scheme 2023. Collection method: clinical testing. Allele origin: germline.
Comment: The p.H58N variant (also known as c.172C>A), located in coding exon 3 of the CPA1 gene, results from a C to A substitution at nucleotide position 172. The histidine at codon 58 is replaced by asparagine, an amino acid with similar properties. This amino acid position is conserved. In addition, this alteration is predicted to be tolerated by in silico analysis. Based on the available evidence, the clinical significance of this variant remains unclear.